The following is an entry in ClinVar:

NM_002354.3(EPCAM):c.797C>G (p.Ala266Gly)

Gene: EPCAM (epithelial cell adhesion molecule; plus strand). Cytogenetic location: 2p21.
Variant type: single nucleotide variant.
Coding change: c.797C>G on transcript NM_002354.3 (MANE Select); coding-DNA position 797, C replaced by G.
Protein change: p.Ala266Gly; replaces alanine 266 with glycine.
Molecular consequence: missense variant.
Genome position (GRCh38, 1-based): chr2:47,379,908, C>G. VCF-style: chr2-47379908-C-G. GRCh37 (hg19) VCF-style: chr2-47607047-C-G.
Other names: short protein forms A266G.
Identifiers: ClinVar variation 1761454 (VCV001761454.2), dbSNP rs1304092295, ClinGen allele CA346724832.
Genomic context (GRCh38, chr2:47,379,908, plus strand): 5'-AAACTTTAATTTATTATGTTGATGAAAAAGCACCTGAATTCTCAATGCAGGGTCTAAAAG[C>G]TGGTGTTATTGCTGTTATTGTGGTTGTGGTGATAGCAGTTGTTGCTGGAATTGTTGTGCT-3'
Protein context (NP_002345.2, residues 256-276): APEFSMQGLK[Ala266Gly]GVIAVIVVVV

ClinVar aggregate classification (germline): Uncertain significance (1 of 4 stars; one submission).

Conditions:
Hereditary cancer-predisposing syndrome. Also called: Neoplastic Syndromes, Hereditary; Tumor predisposition; Hereditary Cancer Syndrome; Hereditary neoplastic syndrome. Identifiers: Orphanet 140162, MedGen C0027672, MeSH D009386, MONDO:0015356.

Submission:

Ambry Genetics
Classification: Uncertain significance for Hereditary cancer-predisposing syndrome. Last evaluated: 2022-08-17. Review status: criteria provided, single submitter. Criteria: Ambry Variant Classification Scheme 2023. Collection method: clinical testing. Allele origin: germline.
Comment: The p.A266G variant (also known as c.797C>G), located in coding exon 7 of the EPCAM gene, results from a C to G substitution at nucleotide position 797. The alanine at codon 266 is replaced by glycine, an amino acid with similar properties. This amino acid position is conserved. In addition, this alteration is predicted to be tolerated by in silico analysis. Since supporting evidence is limited at this time, the clinical significance of this alteration remains unclear.